The following is an entry in ClinVar:

ClinVar aggregate classification (germline): Uncertain significance. Review status: criteria provided, multiple submitters, no conflicts (2 of 4 stars). 2 submissions from 2 submitters: Uncertain significance (2). Last evaluated 2024-11-10.

Conditions:
Primary ciliary dyskinesia. Also called: Ciliary dyskinesia. Identifiers: Orphanet 244, MedGen C0008780, MONDO:0016575, HP:0012265.

Allele frequency attached by ClinVar (database versions not stated): TOPMed 0.00002.
gnomAD v4.1: 2 of 1,440,070 alleles (0.00014%); highest among the groups gnomAD compares: Non-Finnish European, 0.00018%; no homozygotes.

Submissions (2):

Ambry Genetics
Classification: Uncertain significance for Primary ciliary dyskinesia. Last evaluated: 2024-11-10. Review status: criteria provided, single submitter. Criteria: Ambry Variant Classification Scheme 2023. Collection method: clinical testing. Allele origin: germline.
Comment: The p.R232W variant (also known as c.694C>T), located in coding exon 6 of the DNAAF3 gene, results from a C to T substitution at nucleotide position 694. The arginine at codon 232 is replaced by tryptophan, an amino acid with dissimilar properties. This amino acid position is conserved. In addition, the in silico prediction for this alteration is inconclusive. Based on the available evidence, the clinical significance of this variant remains unclear.

Labcorp Genetics (formerly Invitae), Labcorp
Classification: Uncertain significance for Primary ciliary dyskinesia. Last evaluated: 2021-12-18. Review status: criteria provided, single submitter. Criteria: Invitae Variant Classification Sherloc (09022015). Collection method: clinical testing. Allele origin: germline.
Comment: Algorithms developed to predict the effect of missense changes on protein structure and function are either unavailable or do not agree on the potential impact of this missense change (SIFT: "Deleterious"; PolyPhen-2: "Probably Damaging"; Align-GVGD: "Class C0"). In summary, the available evidence is currently insufficient to determine the role of this variant in disease. Therefore, it has been classified as a Variant of Uncertain Significance. This variant has not been reported in the literature in individuals affected with DNAAF3-related conditions. This variant is not present in population databases (gnomAD no frequency). This sequence change replaces arginine, which is basic and polar, with tryptophan, which is neutral and slightly polar, at codon 232 of the DNAAF3 protein (p.Arg232Trp).

NM_001256715.2(DNAAF3):c.490C>T (p.Arg164Trp)

Genes: DNAAF3 (dynein axonemal assembly factor 3; minus strand), DNAAF3-AS1 (DNAAF3 antisense RNA 1; plus strand). Cytogenetic location: 19q13.42.
Variant type: single nucleotide variant.
Coding change: c.490C>T on transcript NM_001256715.2 (MANE Select); coding-DNA position 490, C replaced by T.
Protein change: p.Arg164Trp; replaces arginine 164 with tryptophan.
Molecular consequence: missense variant.
Genome position (GRCh38, 1-based): chr19:55,161,816, G>A on the plus strand (C>T on the coding strand, the complement: DNAAF3 is on the minus strand). VCF-style: chr19-55161816-G-A. GRCh37 (hg19) VCF-style: chr19-55673184-G-A.
Other names: c.694C>T, p.Arg232Trp (NM_001256714.1); c.328C>T, p.Arg110Trp (NM_001256716.2); c.631C>T, p.Arg211Trp (NM_178837.4); short protein forms R110W, R164W, R211W, R232W.
Identifiers: ClinVar variation 2419354 (VCV002419354.42), dbSNP rs763784422, ClinGen allele CA310154006.